The following is an entry in ClinVar:

NM_002270.4(TNPO1):c.532C>T (p.Arg178Cys)

Gene: TNPO1 (transportin 1; plus strand). Cytogenetic location: 5q13.2.
Variant type: single nucleotide variant.
Coding change: c.532C>T on transcript NM_002270.4 (MANE Select); coding-DNA position 532, C replaced by T.
Protein change: p.Arg178Cys; replaces arginine 178 with cysteine.
Molecular consequence: missense variant.
Genome position (GRCh38, 1-based): chr5:72,865,665, C>T. VCF-style: chr5-72865665-C-T. GRCh37 (hg19) VCF-style: chr5-72161492-C-T.
Other names: c.508C>T, p.Arg170Cys (NM_001364292.3, NM_001364293.3, NM_001364294.3 and 2 more transcripts); c.382C>T, p.Arg128Cys (NM_001364295.3); short protein forms R128C, R170C, R178C.
Identifiers: ClinVar variation 2628974 (VCV002628974.1), dbSNP rs753376038, ClinGen allele CA120782380.

ClinVar aggregate classification (germline): Uncertain significance (1 of 4 stars; one submission).

Conditions:
TNPO1-related disorder. Also called: TNPO1-related condition.

Allele frequency attached by ClinVar (database versions not stated): TOPMed 0.00001.
gnomAD v4.1: 8 of 1,613,254 alleles (0.0005%); highest among the groups gnomAD compares: African/African-American, 0.0013%; no homozygotes.

Submission:

PreventionGenetics, part of Exact Sciences
Classification: Uncertain significance for TNPO1-related condition. Last evaluated: 2023-02-03. Review status: criteria provided, single submitter. Criteria: ACMG Guidelines, 2015. Collection method: clinical testing. Allele origin: germline.
Comment: The TNPO1 c.532C>T variant is predicted to result in the amino acid substitution p.Arg178Cys. To our knowledge, this variant has not been reported in the literature. This variant is reported in 0.0062% of alleles in individuals of African descent in gnomAD. At this time, the clinical significance of this variant is uncertain due to the absence of conclusive functional and genetic evidence.